The following is an entry in ClinVar:

NM_152564.5(VPS13B):c.6983C>T (p.Thr2328Ile)

Gene: VPS13B (vacuolar protein sorting 13 homolog B; plus strand). Cytogenetic location: 8q22.2.
Variant type: single nucleotide variant.
Coding change: c.6983C>T on transcript NM_152564.5 (MANE Select); coding-DNA position 6983, C replaced by T.
Protein change: p.Thr2328Ile; replaces threonine 2328 with isoleucine.
Molecular consequence: missense variant.
Genome position (GRCh38, 1-based): chr8:99,720,980, C>T. VCF-style: chr8-99720980-C-T. GRCh37 (hg19) VCF-style: chr8-100733208-C-T.
Other names: c.7058C>T, p.Thr2353Ile (NM_017890.5); short protein forms T2353I, T2328I.
Identifiers: ClinVar variation 2130887 (VCV002130887.2), dbSNP rs764775015, ClinGen allele CA371868553.

ClinVar aggregate classification (germline): Uncertain significance (1 of 4 stars; one submission).

Conditions:
Cohen syndrome (COH1). Also called: Cutis verticis gyrata, retinitis pigmentosa, and sensorineural deafness; PEPPER SYNDROME. Identifiers: Orphanet 193, MedGen C0265223, MONDO:0008999, OMIM 216550.

gnomAD v4.1: 2 of 1,614,028 alleles (0.00012%); highest among the groups gnomAD compares: Non-Finnish European, 0.00017%; no homozygotes.

Submission:

Labcorp Genetics (formerly Invitae), Labcorp
Classification: Uncertain significance for Cohen syndrome. Last evaluated: 2022-10-17. Review status: criteria provided, single submitter. Criteria: Invitae Variant Classification Sherloc (09022015). Collection method: clinical testing. Allele origin: germline.
Comment: This variant is not present in population databases (gnomAD no frequency). In summary, the available evidence is currently insufficient to determine the role of this variant in disease. Therefore, it has been classified as a Variant of Uncertain Significance. Advanced modeling of protein sequence and biophysical properties (such as structural, functional, and spatial information, amino acid conservation, physicochemical variation, residue mobility, and thermodynamic stability) performed at Invitae indicates that this missense variant is expected to disrupt VPS13B protein function. This variant has not been reported in the literature in individuals affected with VPS13B-related conditions. This sequence change replaces threonine, which is neutral and polar, with isoleucine, which is neutral and non-polar, at codon 2353 of the VPS13B protein (p.Thr2353Ile).